The following is an entry in ClinVar:

NM_000038.6(APC):c.1167CAT[1] (p.Ile391del)

Gene: APC (APC regulator of Wnt signaling pathway; plus strand). Cytogenetic location: 5q22.2.
Variant type: Microsatellite.
Coding change: c.1167CAT[1] on transcript NM_000038.6 (MANE Select); one copy of the 3-base unit CAT starting at c.1167; the reference has two copies in a row; one copy, 3 bases deleted.
Protein change: p.Ile391del; deletes isoleucine 391.
Molecular consequence: inframe deletion. On other transcripts: inframe indel (9), intron variant (4).
Genome position (GRCh38, 1-based): chr5:112,819,202-112,819,204, CAT deleted; deleting any 3 consecutive bases within chr5:112,819,199-112,819,204 gives the same sequence; the position shown is the placement nearest the transcript's 3' end. VCF-style (leftmost placement, unchanged base first): chr5-112819198-ACAT-A. GRCh37 (hg19) VCF-style: chr5-112154895-ACAT-A.
Other names: c.1167CAT[1], p.Ile391del (NM_001127510.3, NM_001354895.2, NM_001354896.2); c.1113CAT[1], p.Ile373del (NM_001127511.3); c.1197CAT[1], p.Ile401del (NM_001354897.2); c.1092CAT[1], p.Ile366del (NM_001354898.2); c.1083CAT[1], p.Ile363del (NM_001354899.2); c.990CAT[1], p.Ile332del (NM_001354900.2, NM_001354901.2); c.318CAT[1], p.Ile108del (NM_001354906.2); c.1197_1199CAT[1], p.Ile401del (NM_001407446.1); and 9 more; short protein forms I366del, I401del, I108del, I391del, I332del, I363del, I373del.
Identifiers: ClinVar variation 1739345 (VCV001739345.3), dbSNP rs2533049986, ClinGen allele CA2580613621.

ClinVar aggregate classification (germline): Uncertain significance (1 of 4 stars; one submission).

Conditions:
Hereditary cancer-predisposing syndrome. Also called: Hereditary Cancer Syndrome; Hereditary neoplastic syndrome; Neoplastic Syndromes, Hereditary; Tumor predisposition. Identifiers: Orphanet 140162, MedGen C0027672, MeSH D009386, MONDO:0015356.

Submission:

Ambry Genetics
Classification: Uncertain significance for Hereditary cancer-predisposing syndrome. Last evaluated: 2025-07-18. Review status: criteria provided, single submitter. Criteria: Ambry Variant Classification Scheme 2023. Collection method: clinical testing. Allele origin: germline.
Comment: The c.1170_1172delCAT variant (also known as p.I391del) is located in coding exon 9 of the APC gene. This variant results from an in-frame CAT deletion at nucleotide positions 1170 to 1172. This results in the in-frame deletion of an isoleucine at codon 391. This amino acid position is well conserved in available vertebrate species. In addition, this alteration is predicted to be deleterious by in silico analysis (Choi Y et al. PLoS ONE. 2012; 7(10):e46688). Since supporting evidence is limited at this time, the clinical significance of this alteration remains unclear.